The following is an entry in ClinVar:

ClinVar aggregate classification (germline): Uncertain significance (1 of 4 stars; one submission).

Submission:

GeneDx
Classification: Uncertain significance. Last evaluated: 2026-02-24. Review status: criteria provided, single submitter. Criteria: GeneDx Variant Classification Process June 2021. Collection method: clinical testing. Allele origin: germline.
Comment: Not observed at significant frequency in large population cohorts (gnomAD); In silico analysis suggests that this missense variant does not alter protein structure/function; Has not been previously published as pathogenic or benign to our knowledge

NM_013450.4(BAZ2B):c.452C>T (p.Ser151Leu)

Gene: BAZ2B (bromodomain adjacent to zinc finger domain 2B; minus strand). Cytogenetic location: 2q24.2.
Variant type: single nucleotide variant.
Coding change: c.452C>T on transcript NM_013450.4 (MANE Select); coding-DNA position 452, C replaced by T.
Protein change: p.Ser151Leu; replaces serine 151 with leucine.
Molecular consequence: missense variant.
Genome position (GRCh38, 1-based): chr2:159,448,292, G>A on the plus strand (C>T on the coding strand, the complement: BAZ2B is on the minus strand). VCF-style: chr2-159448292-G-A. GRCh37 (hg19) VCF-style: chr2-160304803-G-A.
Other names: c.446C>T, p.Ser149Leu (NM_001289975.1); c.263C>T, p.Ser88Leu (NM_001329857.2); c.452C>T, p.Ser151Leu (NM_001329858.2); short protein forms S151L, S149L, S88L.
Identifiers: ClinVar variation 5009884 (VCV005009884.1).
Genomic context (GRCh38, chr2:159,448,292, plus strand): 5'-ATGTGGATACCTTTTTCGGGACCATTTCGATTACTTTTTCCCGAAGTCCTTGAATGGAAT[G>A]AAGAAGAATCATGATTCTGGGCTGGGGGAGCAAATAGTGGTGGAATTCCCAGTAATGGTG-3'
Protein context (NP_038478.2, residues 141-161): APPAQNHDSS[Ser151Leu]FHSRTSGKSN